The following is an entry in ClinVar:

ClinVar aggregate classification (germline): Uncertain significance. Review status: criteria provided, multiple submitters, no conflicts (2 of 4 stars). 3 submissions from 3 submitters: Uncertain significance (3). Last evaluated 2026-08-27.

Conditions:
Inborn genetic diseases. Identifiers: MedGen C0950123, MeSH D030342.
Congenital factor V deficiency. Also called: LABILE FACTOR DEFICIENCY; OWREN PARAHEMOPHILIA; PARAHEMOPHILIA; Hereditary factor V deficiency disease. Identifiers: Orphanet 326, MedGen C0015499, MONDO:0009210, OMIM 227400.

gnomAD v4.1: 31 of 1,614,028 alleles (0.0019%); highest among the groups gnomAD compares: South Asian, 0.03%; no homozygotes.

Submissions (3):

Ambry Genetics
Classification: Uncertain significance for Inborn genetic diseases. Last evaluated: 2026-08-27. Review status: criteria provided, single submitter. Criteria: Ambry Variant Classification Scheme 2023. Collection method: clinical testing. Allele origin: germline.

Labcorp Genetics (formerly Invitae), Labcorp
Classification: Uncertain significance for Congenital factor V deficiency. Last evaluated: 2025-04-12. Review status: criteria provided, single submitter. Criteria: Invitae Variant Classification Sherloc (09022015). Collection method: clinical testing. Allele origin: germline.
Comment: This sequence change replaces cysteine, which is neutral and slightly polar, with phenylalanine, which is neutral and non-polar, at codon 329 of the F5 protein (p.Cys329Phe). This variant is present in population databases (rs574459300, gnomAD 0.04%). This variant has not been reported in the literature in individuals affected with F5-related conditions. Invitae Evidence Modeling of protein sequence and biophysical properties (such as structural, functional, and spatial information, amino acid conservation, physicochemical variation, residue mobility, and thermodynamic stability) indicates that this missense variant is expected to disrupt F5 protein function with a positive predictive value of 80%. In summary, the available evidence is currently insufficient to determine the role of this variant in disease. Therefore, it has been classified as a Variant of Uncertain Significance.

Blueprint Genetics
Classification: Uncertain significance. Last evaluated: 2024-06-14. Review status: criteria provided, single submitter. Criteria: ACMG Guidelines, 2015. Collection method: clinical testing. Allele origin: germline.

NM_000130.5(F5):c.986G>T (p.Cys329Phe)

Gene: F5 (coagulation factor V; minus strand). Cytogenetic location: 1q24.2.
Variant type: single nucleotide variant.
Coding change: c.986G>T on transcript NM_000130.5 (MANE Select); coding-DNA position 986, G replaced by T.
Protein change: p.Cys329Phe; replaces cysteine 329 with phenylalanine.
Molecular consequence: missense variant.
Genome position (GRCh38, 1-based): chr1:169,555,314, C>A on the plus strand (G>T on the coding strand, the complement: F5 is on the minus strand). VCF-style: chr1-169555314-C-A. GRCh37 (hg19) VCF-style: chr1-169524552-C-A.
Other names: short protein forms C329F.
Identifiers: ClinVar variation 4751019 (VCV004751019.3).